The following is an entry in ClinVar:

NM_000179.3(MSH6):c.2081G>A (p.Cys694Tyr)

Gene: MSH6 (mutS homolog 6; plus strand). Cytogenetic location: 2p16.3.
Variant type: single nucleotide variant.
Coding change: c.2081G>A on transcript NM_000179.3 (MANE Select); coding-DNA position 2081, G replaced by A.
Protein change: p.Cys694Tyr; replaces cysteine 694 with tyrosine.
Molecular consequence: missense variant.
Genome position (GRCh38, 1-based): chr2:47,800,064, G>A. VCF-style: chr2-47800064-G-A. GRCh37 (hg19) VCF-style: chr2-48027203-G-A.
Other names: c.1175G>A, p.Cys392Tyr (NM_001406812.1, NM_001406815.1, NM_001406816.1 and 6 more transcripts); c.1784G>A, p.Cys595Tyr (NM_001406818.1, NM_001406797.1, NM_001406801.1 and 10 more transcripts); c.2087G>A, p.Cys696Tyr (NM_001406813.1); c.1691G>A, p.Cys564Tyr (NM_001281492.2); c.2177G>A, p.Cys726Tyr (NM_001406795.1, NM_001406802.1); c.2081G>A, p.Cys694Tyr (NM_001406796.1, NM_001406798.1, NM_001406800.1 and 3 more transcripts); c.1556G>A, p.Cys519Tyr (NM_001406799.1, NM_001406806.1, NM_001406807.1); c.2003G>A, p.Cys668Tyr (NM_001406804.1); and 1 more; short protein forms C696Y, C392Y, C638Y, C564Y, C694Y, C726Y, C519Y, C595Y.
Identifiers: ClinVar variation 1785572 (VCV001785572.2), dbSNP rs2104387684, ClinGen allele CA346750819.
Genomic context (GRCh38, chr2:47,800,064, plus strand): 5'-GAGAGAAAAGTGAATTGGCCCTCTCTGCTCTAGGTGGTTGTGTCTTCTACCTCAAAAAAT[G>A]CCTTATTGATCAGGAGCTTTTATCAATGGCTAATTTTGAAGAATATATTCCCTTGGATTC-3'
Protein context (NP_000170.1, residues 684-704): LGGCVFYLKK[Cys694Tyr]LIDQELLSMA

ClinVar aggregate classification (germline): Uncertain significance (1 of 4 stars; one submission).

Conditions:
Hereditary cancer-predisposing syndrome. Also called: Neoplastic Syndromes, Hereditary; Tumor predisposition; Hereditary Cancer Syndrome; Hereditary neoplastic syndrome. Identifiers: Orphanet 140162, MedGen C0027672, MeSH D009386, MONDO:0015356.

Submission:

Ambry Genetics
Classification: Uncertain significance for Hereditary cancer-predisposing syndrome. Last evaluated: 2021-06-17. Review status: criteria provided, single submitter. Criteria: Ambry Variant Classification Scheme 2023. Collection method: clinical testing. Allele origin: germline.
Comment: The p.C694Y variant (also known as c.2081G>A), located in coding exon 4 of the MSH6 gene, results from a G to A substitution at nucleotide position 2081. The cysteine at codon 694 is replaced by tyrosine, an amino acid with highly dissimilar properties. This amino acid position is highly conserved in available vertebrate species. In addition, this alteration is predicted to be deleterious by in silico analysis. Since supporting evidence is limited at this time, the clinical significance of this alteration remains unclear.